The following is an entry in ClinVar:

ClinVar aggregate classification (germline): Uncertain significance (1 of 4 stars; one submission).

Submission:

GeneDx
Classification: Uncertain significance. Last evaluated: 2023-11-13. Review status: criteria provided, single submitter. Criteria: GeneDx Variant Classification Process June 2021. Collection method: clinical testing. Allele origin: germline. Affected: yes.
Comment: Not observed at significant frequency in large population cohorts (gnomAD); In silico analysis supports a deleterious effect on protein structure/function; Has not been previously published as pathogenic or benign to our knowledge

NM_014271.4(IL1RAPL1):c.2002_2003delinsCC (p.Arg668Pro)

Gene: IL1RAPL1 (interleukin 1 receptor accessory protein like 1; plus strand). Cytogenetic location: Xp21.2.
Variant type: Indel.
Coding change: c.2002_2003delinsCC on transcript NM_014271.4 (MANE Select); coding-DNA positions 2002 to 2003, AG replaced by CC.
Protein change: p.Arg668Pro; replaces arginine 668 with proline.
Molecular consequence: missense variant.
Genome position (GRCh38, 1-based): chrX:29,955,731-29,955,732, AG replaced by CC. VCF-style: chrX-29955731-AG-CC. GRCh37 (hg19) VCF-style: chrX-29973848-AG-CC.
Other names: short protein forms R668P.
Identifiers: ClinVar variation 3364385 (VCV003364385.1).